The following is an entry in ClinVar:

NM_000038.6(APC):c.220+124C>G

Gene: APC (APC regulator of WNT signaling pathway; plus strand). Cytogenetic location: 5q22.2.
Variant type: single nucleotide variant.
Coding change: c.220+124C>G on transcript NM_000038.6 (MANE Select); 124 bases into the intron after coding-DNA position 220, C replaced by G.
Molecular consequence: intron variant.
Genome position (GRCh38, 1-based): chr5:112,766,534, C>G. VCF-style: chr5-112766534-C-G. GRCh37 (hg19) VCF-style: chr5-112102231-C-G.
Other names: c.220+124C>G (NM_001354895.2, NM_001127510.3, NM_001354896.2 and 2 more transcripts); c.250+124C>G (NM_001354897.2, NM_001354902.2, NM_001127511.3); c.145+124C>G (NM_001354898.2, NM_001354904.2); c.-816+124C>G (NM_001354906.2); c.43+124C>G (NM_001354900.2, NM_001354901.2, NM_001354905.2).
Identifiers: ClinVar variation 217945 (VCV000217945.6), dbSNP rs76552546, ClinGen allele CA210439.

ClinVar aggregate classification (germline): Likely benign. Review status: criteria provided, multiple submitters, no conflicts (2 of 4 stars). 3 submissions from 3 submitters: Likely benign (2). 1 of the submissions does not count toward it. Last evaluated 2018-06-15.

Allele frequency attached by ClinVar (database versions not stated): 1000 Genomes Project 30x 0.00859; gnomAD exomes 0.02342; 1000 Genomes Project 0.00859; gnomAD 0.01839 and 0.01841; TOPMed 0.01494.
gnomAD v4.1: 14,820 of 669,310 alleles (2.2%); highest among the groups gnomAD compares: South Asian, 2.6%; 221 homozygotes.

Submissions (3):

GeneDx
Classification: Likely benign. Last evaluated: 2018-06-15. Review status: criteria provided, single submitter. Criteria: GeneDx Variant Classification (06012015). Collection method: clinical testing. Allele origin: germline. Affected: yes.
Comment: This variant is considered likely benign or benign based on one or more of the following criteria: it is a conservative change, it occurs at a poorly conserved position in the protein, it is predicted to be benign by multiple in silico algorithms, and/or has population frequency not consistent with disease.

Breakthrough Genomics
Classification: Likely benign. Review status: criteria provided, single submitter. Criteria: ACMG Guidelines, 2015. Collection method: not provided. Allele origin: germline. Inheritance: Autosomal dominant inheritance. Affected: yes.

Mayo Clinic Laboratories, Mayo Clinic
Classification: Benign. Review status: no assertion criteria provided. Collection method: research. Allele origin: unknown. Observed: 1 variant allele. Not counted in ClinVar's aggregate classification.